The following is an entry in ClinVar:

ClinVar aggregate classification (germline): Uncertain significance (1 of 4 stars; one submission).

Conditions:
Gnathodiaphyseal dysplasia (GDD). Also called: GNATHODIAPHYSEAL SCLEROSIS; OSTEOGENESIS IMPERFECTA WITH UNUSUAL SKELETAL LESIONS. Identifiers: Orphanet 53697, MedGen C1833736, MONDO:0008151, OMIM 166260.
Autosomal recessive limb-girdle muscular dystrophy type 2L (LGMDR12). Also called: Limb-girdle muscular dystrophy, type 2L; MUSCULAR DYSTROPHY, LIMB-GIRDLE, AUTOSOMAL RECESSIVE 12; Limb-Girdle Muscular Dystrophy R12 Anoctamin-5-Related (LGMD-R12). Identifiers: Orphanet 206549, MedGen C1969785, MONDO:0012652, OMIM 611307.

Allele frequency attached by ClinVar (database versions not stated): gnomAD exomes below 0.00001.
gnomAD v4.1: 1 of 1,607,342 alleles (0.000062%); highest among the groups gnomAD compares: Non-Finnish European, 0.000085%; no homozygotes.

Submission:

Labcorp Genetics (formerly Invitae), Labcorp
Classification: Uncertain significance for Autosomal recessive limb-girdle muscular dystrophy type 2L; Gnathodiaphyseal dysplasia. Last evaluated: 2024-09-08. Review status: criteria provided, single submitter. Criteria: Invitae Variant Classification Sherloc (09022015). Collection method: clinical testing. Allele origin: germline.
Comment: This sequence change replaces tyrosine, which is neutral and polar, with histidine, which is basic and polar, at codon 219 of the ANO5 protein (p.Tyr219His). This variant is not present in population databases (gnomAD no frequency). This variant has not been reported in the literature in individuals affected with ANO5-related conditions. ClinVar contains an entry for this variant (Variation ID: 2123000). Invitae Evidence Modeling of protein sequence and biophysical properties (such as structural, functional, and spatial information, amino acid conservation, physicochemical variation, residue mobility, and thermodynamic stability) has been performed for this missense variant. However, the output from this modeling did not meet the statistical confidence thresholds required to predict the impact of this variant on ANO5 protein function. This variant disrupts the p.Tyr219 amino acid residue in ANO5. Other variant(s) that disrupt this residue have been determined to be pathogenic (PMID: 29792937, 34440373; internal data). This suggests that this residue is clinically significant, and that variants that disrupt this residue are likely to be disease-causing. In summary, the available evidence is currently insufficient to determine the role of this variant in disease. Therefore, it has been classified as a Variant of Uncertain Significance.

Literature cited by the submitters: PubMed 29792937; PubMed 34440373.

NM_213599.3(ANO5):c.655T>C (p.Tyr219His)

Gene: ANO5 (anoctamin 5; plus strand). Cytogenetic location: 11p14.3.
Variant type: single nucleotide variant.
Coding change: c.655T>C on transcript NM_213599.3 (MANE Select); coding-DNA position 655, T replaced by C.
Protein change: p.Tyr219His; replaces tyrosine 219 with histidine.
Molecular consequence: missense variant.
Genome position (GRCh38, 1-based): chr11:22,236,169, T>C. VCF-style: chr11-22236169-T-C. GRCh37 (hg19) VCF-style: chr11-22257715-T-C.
Other names: c.652T>C, p.Tyr218His (NM_001142649.2); c.613T>C, p.Tyr205His (NM_001410963.1); c.610T>C, p.Tyr204His (NM_001410964.1); short protein forms Y218H, Y204H, Y205H, Y219H.
Identifiers: ClinVar variation 2123000 (VCV002123000.4), dbSNP rs2494188764, ClinGen allele CA379920126.